The following is an entry in ClinVar:

NM_005993.5(TBCD):c.1220dup (p.Ser408fs)

Gene: TBCD (tubulin folding cofactor D). Cytogenetic location: 17q25.3.
Variant type: Duplication.
Coding change: c.1220dup on transcript NM_005993.5 (MANE Select); coding-DNA position 1220, one base duplicated.
Protein change: p.Ser408fs; shifts the reading frame from serine 408.
Molecular consequence: frameshift variant.
Genome position: GRCh38 VCF-style: chr17-82809777-C-CT. GRCh37 (hg19) VCF-style: chr17-80767653-C-CT.
Other names: c.1169dup, p.Ser391fs (NM_001411101.1); c.1220dup, p.Ser408fs (NM_001411102.1); short protein forms S391fs, S408fs.
Identifiers: ClinVar variation 2782388 (VCV002782388.3), dbSNP rs2510906108, ClinGen allele CA2739268505.

ClinVar aggregate classification (germline): Pathogenic (1 of 4 stars; one submission).

Submission:

Labcorp Genetics (formerly Invitae), Labcorp
Classification: Pathogenic. Last evaluated: 2023-05-29. Review status: criteria provided, single submitter. Criteria: Invitae Variant Classification Sherloc (09022015). Collection method: clinical testing. Allele origin: germline.
Comment: This sequence change creates a premature translational stop signal (p.Ser408Glnfs*6) in the TBCD gene. It is expected to result in an absent or disrupted protein product. Loss-of-function variants in TBCD are known to be pathogenic (PMID: 27666370, 27666374). This variant is not present in population databases (gnomAD no frequency). This variant has not been reported in the literature in individuals affected with TBCD-related conditions. For these reasons, this variant has been classified as Pathogenic.

Literature cited by the submitters: PubMed 27666370; PubMed 27666374.